The following is an entry in ClinVar:

NM_001845.6(COL4A1):c.694-5G>A

Gene: COL4A1 (collagen type IV alpha 1 chain; minus strand). Cytogenetic location: 13q34.
Variant type: single nucleotide variant.
Coding change: c.694-5G>A on transcript NM_001845.6 (MANE Select); 5 bases into the intron before coding-DNA position 694, G replaced by A.
Molecular consequence: intron variant.
Genome position (GRCh38, 1-based): chr13:110,207,494, C>T on the plus strand (G>A on the coding strand, the complement: COL4A1 is on the minus strand). VCF-style: chr13-110207494-C-T. GRCh37 (hg19) VCF-style: chr13-110859841-C-T.
Other names: c.694-5G>A (NM_001303110.2).
Identifiers: ClinVar variation 1572418 (VCV001572418.10), dbSNP rs762644478, ClinGen allele CA7048344.

ClinVar aggregate classification (germline): Likely benign. Review status: criteria provided, multiple submitters, no conflicts (2 of 4 stars). 2 submissions from 2 submitters: Likely benign (2). Last evaluated 2026-01-26.

Allele frequency attached by ClinVar (database versions not stated): gnomAD exomes 0.00002; ExAC 0.00003.
gnomAD v4.1: 18 of 1,612,908 alleles (0.0011%); highest among the groups gnomAD compares: Non-Finnish European, 0.0014%; no homozygotes.

Submissions (2):

Labcorp Genetics (formerly Invitae), Labcorp
Classification: Likely benign. Last evaluated: 2026-01-26. Review status: criteria provided, single submitter. Criteria: Invitae Variant Classification Sherloc (09022015). Collection method: clinical testing. Allele origin: germline.

GeneDx
Classification: Likely benign. Last evaluated: 2021-11-22. Review status: criteria provided, single submitter. Criteria: GeneDx Variant Classification Process June 2021. Collection method: clinical testing. Allele origin: germline. Affected: yes.
Comment: See Variant Classification Assertion Criteria.